The following is an entry in ClinVar:

NM_004360.5(CDH1):c.2087G>A (p.Arg696Lys)

Gene: CDH1 (cadherin 1; plus strand). Cytogenetic location: 16q22.1.
Variant type: single nucleotide variant.
Coding change: c.2087G>A on transcript NM_004360.5 (MANE Select); coding-DNA position 2087, G replaced by A.
Protein change: p.Arg696Lys; replaces arginine 696 with lysine.
Molecular consequence: missense variant.
Genome position (GRCh38, 1-based): chr16:68,823,549, G>A. VCF-style: chr16-68823549-G-A. GRCh37 (hg19) VCF-style: chr16-68857452-G-A.
Other names: c.2087G>A (LRG_301t1, NM_004360.4); c.1904G>A, p.Arg635Lys (NM_001317184.2); c.539G>A, p.Arg180Lys (NM_001317185.2); c.122G>A, p.Arg41Lys (NM_001317186.2); short protein forms R180K, R635K, R41K, R696K.
Identifiers: ClinVar variation 662441 (VCV000662441.9), dbSNP rs1596965963, ClinGen allele CA396467823.
Genomic context (GRCh38, chr16:68,823,549, plus strand): 5'-ACCAAGTGACCACCTTAGAGGTCAGCGTGTGTGACTGTGAAGGGGCCGCTGGCGTCTGTA[G>A]GAAGGCACAGCCTGTCGAAGCAGGATTGCAAATTCCTGCCATTCTGGGGATTCTTGGAGG-3'
Protein context (NP_004351.1, residues 686-706): CDCEGAAGVC[Arg696Lys]KAQPVEAGLQ

ClinVar aggregate classification (germline): Conflicting classifications of pathogenicity. Review status: criteria provided, conflicting classifications (1 of 4 stars). 3 submissions from 3 submitters: Uncertain significance (2); Likely benign (1). Last evaluated 2026-04-30.

Conditions:
Hereditary diffuse gastric adenocarcinoma (HDGC). Also called: DIFFUSE GASTRIC AND LOBULAR BREAST CANCER SYNDROME. Identifiers: Orphanet 26106, MedGen C1708349, MONDO:0007648, OMIM 137215.
CDH1-related diffuse gastric and lobular breast cancer syndrome. Also called: CDH1-related diffuse gastric and lobular breast cancer. Identifiers: MedGen CN311521, MONDO:0100488.
Hereditary cancer-predisposing syndrome. Also called: Tumor predisposition; Hereditary Cancer Syndrome; Neoplastic Syndromes, Hereditary; Hereditary neoplastic syndrome. Identifiers: Orphanet 140162, MedGen C0027672, MeSH D009386, MONDO:0015356.

Submissions (3):

Ambry Genetics
Classification: Likely benign for Hereditary cancer-predisposing syndrome. Last evaluated: 2026-04-30. Review status: criteria provided, single submitter. Criteria: Ambry Variant Classification Scheme 2023. Collection method: clinical testing. Allele origin: germline.

Department of Pathology and Laboratory Medicine, Sinai Health System
Classification: Uncertain significance for CDH1-related diffuse gastric and lobular breast cancer syndrome. Last evaluated: 2020-05-07. Review status: criteria provided, single submitter. Criteria: ACMG Guidelines, 2015. Collection method: clinical testing. Allele origin: germline.

Labcorp Genetics (formerly Invitae), Labcorp
Classification: Uncertain significance for Hereditary diffuse gastric adenocarcinoma. Last evaluated: 2020-01-11. Review status: criteria provided, single submitter. Criteria: Invitae Variant Classification Sherloc (09022015). Collection method: clinical testing. Allele origin: germline.
Comment: In summary, the available evidence is currently insufficient to determine the role of this variant in disease. Therefore, it has been classified as a Variant of Uncertain Significance. Algorithms developed to predict the effect of missense changes on protein structure and function output the following: SIFT: "Tolerated"; PolyPhen-2: "Benign"; Align-GVGD: "Class C0". The lysine amino acid residue is found in multiple mammalian species, suggesting that this missense change does not adversely affect protein function. These predictions have not been confirmed by published functional studies and their clinical significance is uncertain. This variant has not been reported in the literature in individuals with CDH1-related disease. This variant is not present in population databases (ExAC no frequency). This sequence change replaces arginine with lysine at codon 696 of the CDH1 protein (p.Arg696Lys). The arginine residue is weakly conserved and there is a small physicochemical difference between arginine and lysine.